The following is an entry in ClinVar:

NM_001844.5(COL2A1):c.497C>T (p.Pro166Leu)

Gene: COL2A1 (collagen type II alpha 1 chain; minus strand). Cytogenetic location: 12q13.11.
Variant type: single nucleotide variant.
Coding change: c.497C>T on transcript NM_001844.5 (MANE Select); coding-DNA position 497, C replaced by T.
Protein change: p.Pro166Leu; replaces proline 166 with leucine.
Molecular consequence: missense variant.
Genome position (GRCh38, 1-based): chr12:47,997,640, G>A on the plus strand (C>T on the coding strand, the complement: COL2A1 is on the minus strand). VCF-style: chr12-47997640-G-A. GRCh37 (hg19) VCF-style: chr12-48391423-G-A.
Other names: c.290C>T, p.Pro97Leu (NM_033150.3); short protein forms P97L, P166L.
Identifiers: ClinVar variation 2006601 (VCV002006601.4), dbSNP rs1940023739, ClinGen allele CA384524730.

ClinVar aggregate classification (germline): Uncertain significance (1 of 4 stars; one submission).

Submission:

Labcorp Genetics (formerly Invitae), Labcorp
Classification: Uncertain significance. Last evaluated: 2023-08-24. Review status: criteria provided, single submitter. Criteria: Invitae Variant Classification Sherloc (09022015). Collection method: clinical testing. Allele origin: germline.
Comment: This variant is not present in population databases (gnomAD no frequency). This sequence change replaces proline, which is neutral and non-polar, with leucine, which is neutral and non-polar, at codon 166 of the COL2A1 protein (p.Pro166Leu). This variant has not been reported in the literature in individuals affected with COL2A1-related conditions. ClinVar contains an entry for this variant (Variation ID: 2006601). Advanced modeling of protein sequence and biophysical properties (such as structural, functional, and spatial information, amino acid conservation, physicochemical variation, residue mobility, and thermodynamic stability) has been performed at Invitae for this missense variant, however the output from this modeling did not meet the statistical confidence thresholds required to predict the impact of this variant on COL2A1 protein function. In summary, the available evidence is currently insufficient to determine the role of this variant in disease. Therefore, it has been classified as a Variant of Uncertain Significance.